The following is an entry in ClinVar:

NM_005045.4(RELN):c.10273G>A (p.Val3425Ile)

Genes: SLC26A5-AS1 (SLC26A5 antisense RNA 1; plus strand), RELN (reelin; minus strand). Cytogenetic location: 7q22.1.
Variant type: single nucleotide variant.
Coding change: c.10273G>A on transcript NM_005045.4 (MANE Select); coding-DNA position 10273, G replaced by A.
Protein change: p.Val3425Ile; replaces valine 3425 with isoleucine.
Molecular consequence: missense variant.
Genome position (GRCh38, 1-based): chr7:103,482,880, C>T on the plus strand (G>A on the coding strand, the complement: RELN is on the minus strand). VCF-style: chr7-103482880-C-T. GRCh37 (hg19) VCF-style: chr7-103123327-C-T.
Other names: c.10273G>A, p.Val3425Ile (NM_173054.3); short protein forms V3425I.
Identifiers: ClinVar variation 1464839 (VCV001464839.8), dbSNP rs2116975749, ClinGen allele CA368737198.
Genomic context (GRCh38, chr7:103,482,880, plus strand): 5'-GAATTTCAAACCTTCCTGAAATGGACATGGGATGCCATGTAATAGATACTCACAGGACGA[C>T]CTCCACATGGTCCAAAGCCCATTGATCATGACCTGTTCCATTGTGGCGTGGTTGCCACCA-3'
Protein context (NP_005036.2, residues 3415-3435): HDQWALDHVE[Val3425Ile]VLVSTRKQNY

ClinVar aggregate classification (germline): Uncertain significance (1 of 4 stars; one submission).

Conditions:
Norman-Roberts syndrome (LIS2). Also called: Lissencephaly 2 (Norman-Roberts type). Identifiers: Orphanet 89844, MedGen C0796089, MONDO:0009760, OMIM 257320.
Familial temporal lobe epilepsy 7. Identifiers: Orphanet 101046, MedGen C4225327, MONDO:0014639, OMIM 616436.

Submission:

Labcorp Genetics (formerly Invitae), Labcorp
Classification: Uncertain significance for Familial temporal lobe epilepsy 7; Norman-Roberts syndrome. Last evaluated: 2024-01-22. Review status: criteria provided, single submitter. Criteria: Invitae Variant Classification Sherloc (09022015). Collection method: clinical testing. Allele origin: germline.
Comment: This sequence change replaces valine, which is neutral and non-polar, with isoleucine, which is neutral and non-polar, at codon 3425 of the RELN protein (p.Val3425Ile). This variant is not present in population databases (gnomAD no frequency). This variant has not been reported in the literature in individuals affected with RELN-related conditions. ClinVar contains an entry for this variant (Variation ID: 1464839). Advanced modeling of protein sequence and biophysical properties (such as structural, functional, and spatial information, amino acid conservation, physicochemical variation, residue mobility, and thermodynamic stability) performed at Invitae indicates that this missense variant is not expected to disrupt RELN protein function with a negative predictive value of 80%. In summary, the available evidence is currently insufficient to determine the role of this variant in disease. Therefore, it has been classified as a Variant of Uncertain Significance.